The following is an entry in ClinVar:

NM_000377.3(WAS):c.130T>G (p.Leu44Val)

Gene: WAS (WASP actin nucleation promoting factor; plus strand). Cytogenetic location: Xp11.23.
Variant type: single nucleotide variant.
Coding change: c.130T>G on transcript NM_000377.3 (MANE Select); coding-DNA position 130, T replaced by G.
Protein change: p.Leu44Val; replaces leucine 44 with valine.
Molecular consequence: missense variant.
Genome position (GRCh38, 1-based): chrX:48,683,983, T>G. VCF-style: chrX-48683983-T-G. GRCh37 (hg19) VCF-style: chrX-48542372-T-G.
Other names: short protein forms L44V.
Identifiers: ClinVar variation 2634554 (VCV002634554.4), dbSNP rs200530781, ClinGen allele CA329099999.

ClinVar aggregate classification (germline): Uncertain significance. Review status: criteria provided, multiple submitters, no conflicts (2 of 4 stars). 4 submissions from 4 submitters: Uncertain significance (4). Last evaluated 2026-03-25.

Conditions:
WAS-related disorder. Also called: WAS-related condition; WAS-Related Disorders. Identifiers: MedGen CN381538.
Inborn genetic diseases. Identifiers: MedGen C0950123, MeSH D030342.
Thrombocytopenia 1. Also called: X-Linked Thrombocytopenia (XLT); THROMBOCYTOPENIA, X-LINKED, 1; X-linked thrombocytopenia with normal platelets. Identifiers: Orphanet 268322, Orphanet 852, MedGen C1839163, MONDO:0010743, OMIM 313900.
Wiskott-Aldrich syndrome (WAS). Also called: IMMUNODEFICIENCY 2; ALDRICH SYNDROME; WISKOTT-ALDRICH SYNDROME 1; Wiskott-aldrich syndrome, somatic. Identifiers: Orphanet 906, MedGen C0043194, MONDO:0010518, OMIM 301000.
X-linked severe congenital neutropenia (SCNX). Identifiers: Orphanet 86788, MedGen C1845987, MONDO:0010294, OMIM 300299.

Allele frequency attached by ClinVar (database versions not stated): gnomAD exomes below 0.00001; gnomAD 0.00003; TOPMed 0.00006; 1000 Genomes Project 0.00026; 1000 Genomes Project 30x 0.00042.
gnomAD v4.1: 5 of 1,208,540 alleles (0.00041%); highest among the groups gnomAD compares: African/African-American, 0.0053%; no homozygotes.

Submissions (4):

Women's Health and Genetics/Laboratory Corporation of America, LabCorp
Classification: Uncertain significance. Last evaluated: 2026-03-25. Review status: criteria provided, single submitter. Criteria: LabCorp Variant Classification Summary - May 2015. Collection method: clinical testing. Allele origin: germline.
Comment: Variant summary: WAS c.130T>G (p.Leu44Val) results in a conservative amino acid change in the encoded protein sequence. Algorithms developed to predict the effect of missense changes on protein structure and function all suggest that this variant is likely to be tolerated. Consensus agreement among computation tools predict no significant impact on normal splicing. However, these predictions have yet to be confirmed by functional studies. The frequency data for this variant in gnomAD is considered unreliable, as metrics indicate poor data quality at this position. To our knowledge, no occurrence of c.130T>G in individuals affected with WAS-related conditions and no experimental evidence demonstrating its impact on protein function have been reported. ClinVar contains an entry for this variant (Variation ID: 2634554). Based on the evidence outlined above, the variant was classified as uncertain significance.

Ambry Genetics
Classification: Uncertain significance for Inborn genetic diseases. Last evaluated: 2025-05-28. Review status: criteria provided, single submitter. Criteria: Ambry Variant Classification Scheme 2023. Collection method: clinical testing. Allele origin: germline.

Labcorp Genetics (formerly Invitae), Labcorp
Classification: Uncertain significance for Wiskott-Aldrich syndrome; X-linked severe congenital neutropenia; Thrombocytopenia 1. Last evaluated: 2023-12-17. Review status: criteria provided, single submitter. Criteria: Invitae Variant Classification Sherloc (09022015). Collection method: clinical testing. Allele origin: germline.
Comment: This sequence change replaces leucine, which is neutral and non-polar, with valine, which is neutral and non-polar, at codon 44 of the WAS protein (p.Leu44Val). This variant is not present in population databases (gnomAD no frequency). This variant has not been reported in the literature in individuals affected with WAS-related conditions. ClinVar contains an entry for this variant (Variation ID: 2634554). An algorithm developed to predict the effect of missense changes on protein structure and function (PolyPhen-2) suggests that this variant¬†is likely to be tolerated. In summary, the available evidence is currently insufficient to determine the role of this variant in disease. Therefore, it has been classified as a Variant of Uncertain Significance.

PreventionGenetics, part of Exact Sciences
Classification: Uncertain significance for WAS-related condition. Last evaluated: 2023-03-27. Review status: criteria provided, single submitter. Criteria: ACMG Guidelines, 2015. Collection method: clinical testing. Allele origin: germline.
Comment: The WAS c.130T>G variant is predicted to result in the amino acid substitution p.Leu44Val. To our knowledge, this variant has not been reported in the literature or in a large population database, indicating this variant is rare. At this time, the clinical significance of this variant is uncertain due to the absence of conclusive functional and genetic evidence.